The following is an entry in ClinVar:

ClinVar aggregate classification (germline): Uncertain significance (1 of 4 stars; one submission).

gnomAD v4.1: 10 of 1,517,740 alleles (0.00066%); highest among the groups gnomAD compares: Middle Eastern, 0.022%; no homozygotes.

Submission:

Athena Diagnostics
Classification: Uncertain significance. Last evaluated: 2024-02-27. Review status: criteria provided, single submitter. Criteria: Athena Diagnostics Criteria. Collection method: clinical testing. Allele origin: unknown.
Comment: Available data are insufficient to determine the clinical significance of the variant at this time. This variant has not been reported in large, multi-ethnic general populations. Computational tools yielded predictions that this variant is unlikely to have an effect on normal RNA splicing.

NM_000451.4(SHOX):c.783C>T (p.Ala261=)

Gene: SHOX (SHOX homeobox; plus strand). Cytogenetic location: Xp22.33.
Variant type: single nucleotide variant.
Coding change: c.783C>T on transcript NM_000451.4 (MANE Select); coding-DNA position 783, C replaced by T.
Protein change: p.Ala261=; no amino-acid change (alanine 261 retained).
Molecular consequence: synonymous variant. On other transcripts: intron variant (1).
Genome position (GRCh38, 1-based): chrX:644,540, C>T. VCF-style: chrX-644540-C-T. GRCh37 (hg19) VCF-style: chrX-605275-C-T.
Other names: c.633+3453C>T (NM_006883.2).
Identifiers: ClinVar variation 3571630 (VCV003571630.1).